The following is an entry in ClinVar:

ClinVar aggregate classification (germline): Likely pathogenic (1 of 4 stars; one submission).

Conditions:
Osteogenesis imperfecta type I (OI1). Also called: OI, TYPE I; OSTEOGENESIS IMPERFECTA TARDA; OSTEOGENESIS IMPERFECTA WITH BLUE SCLERAE; Lobstein's Disease; Classic Non-deforming Osteogenesis Imperfecta with Blue Sclerae; Lobstein disease. Identifiers: Orphanet 216796, Orphanet 666, MedGen C0023931, MONDO:0008146, OMIM 166200. Disease mechanism: loss of function.
Ehlers-Danlos syndrome, classic type, 1 (EDSCL1). Also called: Ehlers-Danlos Syndrome, Classic Type, COL5A1-Related; EDS I; Ehlers-Danlos syndrome, type 1; EHLERS-DANLOS SYNDROME, GRAVIS TYPE; EHLERS-DANLOS SYNDROME, SEVERE CLASSIC TYPE. Identifiers: MedGen C0268335, MONDO:0019567, OMIM 130000.

Submission:

Labcorp Genetics (formerly Invitae), Labcorp
Classification: Likely pathogenic for Osteogenesis imperfecta type I; Ehlers-Danlos syndrome, classic type, 1. Last evaluated: 2018-05-23. Review status: criteria provided, single submitter. Criteria: Invitae Variant Classification Sherloc (09022015). Collection method: clinical testing. Allele origin: germline.
Comment: Donor and acceptor splice site variants typically lead to a loss of protein function (PMID: 16199547), and loss-of-function variants in COL1A2 are known to be pathogenic (PMID: 2993307, 3372533, 6092353, 16816023, 27510842). Algorithms developed to predict the effect of sequence changes on RNA splicing suggest that this variant may disrupt the consensus splice site, but this prediction has not been confirmed by published transcriptional studies. This variant has not been reported in the literature in individuals with COL1A2-related disease. This variant is not present in population databases (ExAC no frequency). This sequence change affects a donor splice site in intron 44 of the COL1A2 gene. It is expected to disrupt RNA splicing and likely results in an absent or disrupted protein product. In summary, the currently available evidence indicates that the variant is pathogenic, but additional data are needed to prove that conclusively. Therefore, this variant has been classified as Likely Pathogenic.

Literature cited by the submitters: PubMed 16199547; PubMed 2993307; PubMed 3372533; PubMed 6092353; PubMed 16816023; PubMed 27510842.

NM_000089.4(COL1A2):c.2943+1G>C

Gene: COL1A2 (collagen type I alpha 2 chain; plus strand). Cytogenetic location: 7q21.3.
Variant type: single nucleotide variant.
Coding change: c.2943+1G>C on transcript NM_000089.4 (MANE Select); the canonical splice donor site of the intron after coding-DNA position 2943, G replaced by C.
Molecular consequence: splice donor variant.
Genome position (GRCh38, 1-based): chr7:94,425,858, G>C. VCF-style: chr7-94425858-G-C. GRCh37 (hg19) VCF-style: chr7-94055170-G-C.
Identifiers: ClinVar variation 581542 (VCV000581542.8), dbSNP rs1562907190, ClinGen allele CA368224937.